The following is an entry in ClinVar:

ClinVar aggregate classification (germline): Conflicting classifications of pathogenicity. Review status: criteria provided, conflicting classifications (1 of 4 stars). 6 submissions from 5 submitters: Uncertain significance (2); Likely benign (4). Last evaluated 2026-01-06.

Conditions:
Familial hypercholesterolemia. Also called: Familial hypercholesterolaemia; Familial hypercholesterolemias. Identifiers: MedGen C0020445, MONDO:0005439.
Cardiovascular phenotype. Identifiers: MedGen CN230736.
Familial hypobetalipoproteinemia 1. Also called: Hypobetalipoproteinemia, normotriglyceridemic; Acanthocytosis with hypobetalipoproteinemia; APOB-Related Familial Hypobetalipoproteinemia. Identifiers: MedGen C4551990, MONDO:0014252, OMIM 615558.
Hypercholesterolemia, autosomal dominant, type B (FHCL2). Also called: Familial Hypercholesterolemia Type B; APOLIPOPROTEIN B-100, FAMILIAL DEFECTIVE; APOLIPOPROTEIN B-100, FAMILIAL LIGAND-DEFECTIVE; APOB-Related Familial Hypercholesterolemia, Autosomal Dominant; Hyperlipoproteinemia Type IIb; HYPERCHOLESTEROLEMIA, FAMILIAL, DUE TO LIGAND-DEFECTIVE APOLIPOPROTEIN B. Identifiers: MedGen C1704417, MONDO:0007751, OMIM 144010.

Allele frequency attached by ClinVar (database versions not stated): gnomAD exomes 0.00002 and 0.00008; gnomAD 0.00004 and 0.00005; TOPMed 0.00005; ExAC 0.00007; 1000 Genomes Project 30x 0.00031; 1000 Genomes Project 0.00040.
gnomAD v4.1: 38 of 1,614,036 alleles (0.0024%); highest among the groups gnomAD compares: East Asian, 0.074%; no homozygotes.

Submissions (6):

Labcorp Genetics (formerly Invitae), Labcorp
Classification: Likely benign for Familial hypobetalipoproteinemia 1; Hypercholesterolemia, autosomal dominant, type B. Last evaluated: 2026-01-06. Review status: criteria provided, single submitter. Criteria: Invitae Variant Classification Sherloc (09022015). Collection method: clinical testing. Allele origin: germline.

Ambry Genetics
Classification: Likely benign for Cardiovascular phenotype. Last evaluated: 2024-04-21. Review status: criteria provided, single submitter. Criteria: Ambry Variant Classification Scheme 2023. Collection method: clinical testing. Allele origin: germline.

GENinCode PLC
Classification: Likely benign for Familial hypercholesterolemia. Last evaluated: 2024-03-27. Review status: criteria provided, single submitter. Criteria: ACMG Guidelines, 2015. Collection method: clinical testing. Allele origin: germline.
Comment: This is a synonymous (silent) variant that is not predicted by SpliceAI to impact splicing. In addition, it occurs at a nucleotide that is not conserved. Therefore this variant has been classified as Likely Benign (BP4, BP7).

Blueprint Genetics
Classification: Likely benign. Last evaluated: 2023-08-08. Review status: criteria provided, single submitter. Criteria: ACMG Guidelines, 2015. Collection method: clinical testing. Allele origin: germline.

Illumina Laboratory Services, Illumina
Classification: Uncertain significance for Familial hypobetalipoproteinemia 1. Last evaluated: 2018-01-13. Review status: criteria provided, single submitter. Criteria: ICSL Variant Classification Criteria 13 December 2019. Collection method: clinical testing. Allele origin: germline.

Illumina Laboratory Services, Illumina
Classification: Uncertain significance for Hypercholesterolemia, autosomal dominant, type B. Last evaluated: 2018-01-13. Review status: criteria provided, single submitter. Criteria: ICSL Variant Classification Criteria 13 December 2019. Collection method: clinical testing. Allele origin: germline.

NM_000384.3(APOB):c.13191A>G (p.Thr4397=)

Gene: APOB (apolipoprotein B; minus strand). Cytogenetic location: 2p24.1.
Variant type: single nucleotide variant.
Coding change: c.13191A>G on transcript NM_000384.3 (MANE Select); coding-DNA position 13191, A replaced by G.
Protein change: p.Thr4397=; no amino-acid change (threonine 4397 retained).
Molecular consequence: synonymous variant.
Genome position (GRCh38, 1-based): chr2:21,002,231, T>C on the plus strand (A>G on the coding strand, the complement: APOB is on the minus strand). VCF-style: chr2-21002231-T-C. GRCh37 (hg19) VCF-style: chr2-21225103-T-C.
Identifiers: ClinVar variation 627768 (VCV000627768.22), dbSNP rs201618350, ClinGen allele CA052130.